The following is an entry in ClinVar:

NM_001498.4(GCLC):c.1563C>T (p.Asp521=)

Genes: GCLC (glutamate-cysteine ligase catalytic subunit; minus strand), GCLC-AS1 (GCLC antisense RNA 1; plus strand). Cytogenetic location: 6p12.1.
Variant type: single nucleotide variant.
Coding change: c.1563C>T on transcript NM_001498.4 (MANE Select); coding-DNA position 1563, C replaced by T.
Protein change: p.Asp521=; no amino-acid change (aspartic acid 521 retained).
Molecular consequence: synonymous variant.
Genome position (GRCh38, 1-based): chr6:53,500,265, G>A on the plus strand (C>T on the coding strand, the complement: GCLC is on the minus strand). VCF-style: chr6-53500265-G-A. GRCh37 (hg19) VCF-style: chr6-53365063-G-A.
Other names: c.1449C>T, p.Asp483= (NM_001197115.2).
Identifiers: ClinVar variation 708373 (VCV000708373.38), dbSNP rs2066509, ClinGen allele CA3860030.

ClinVar aggregate classification (germline): Benign/Likely benign. Review status: criteria provided, multiple submitters, no conflicts (2 of 4 stars). 5 submissions from 5 submitters: Benign (1); Likely benign (3). 1 of the submissions does not count toward it. Last evaluated 2026-08-01.

Conditions:
GCLC-related disorder. Also called: GCLC-related condition.

Allele frequency attached by ClinVar (database versions not stated): 1000 Genomes Project 30x 0.00109; 1000 Genomes Project 0.00140; TOPMed 0.00308; ExAC 0.00330; gnomAD exomes 0.00342 and 0.00551; gnomAD 0.00351 and 0.00368; ESP Exome Variant Server 0.00354.
gnomAD v4.1: 8,466 of 1,613,908 alleles (0.52%); highest among the groups gnomAD compares: Non-Finnish European, 0.67%; 34 homozygotes.

Submissions (5):

CeGaT Center for Human Genetics Tuebingen
Classification: Likely benign. Last evaluated: 2026-08-01. Review status: criteria provided, single submitter. Criteria: CeGaT Center For Human Genetics Tuebingen Variant Classification Criteria Version 2. Collection method: clinical testing. Allele origin: germline. Affected: yes. Observed: 3 variant alleles.
Comment: GCLC: BP4, BP7, BS2

Labcorp Genetics (formerly Invitae), Labcorp
Classification: Benign. Last evaluated: 2026-01-15. Review status: criteria provided, single submitter. Criteria: Invitae Variant Classification Sherloc (09022015). Collection method: clinical testing. Allele origin: germline.

ARUP Laboratories, Molecular Genetics and Genomics, ARUP Laboratories
Classification: Likely benign. Last evaluated: 2025-05-22. Review status: criteria provided, single submitter. Criteria: ARUP Molecular Germline Variant Investigation Process 2024. Collection method: clinical testing. Allele origin: germline.

Breakthrough Genomics
Classification: Likely benign. Review status: criteria provided, single submitter. Criteria: ACMG Guidelines, 2015. Collection method: not provided. Allele origin: germline. Inheritance: Autosomal recessive inheritance. Affected: yes.

PreventionGenetics, part of Exact Sciences
Classification: Likely benign for GCLC-related condition. Last evaluated: 2019-03-05. Review status: no assertion criteria provided. Collection method: clinical testing. Allele origin: germline. Not counted in ClinVar's aggregate classification.
Comment: This variant is classified as likely benign based on ACMG/AMP sequence variant interpretation guidelines (Richards et al. 2015 PMID: 25741868, with internal and published modifications).